The following is an entry in ClinVar:

NM_018116.4(MSTO1):c.906G>T (p.Leu302Phe)

Gene: MSTO1 (misato mitochondrial distribution and morphology regulator 1; plus strand). Cytogenetic location: 1q22.
Variant type: single nucleotide variant.
Coding change: c.906G>T on transcript NM_018116.4 (MANE Select); coding-DNA position 906, G replaced by T.
Protein change: p.Leu302Phe; replaces leucine 302 with phenylalanine.
Molecular consequence: missense variant. On other transcripts: non-coding transcript variant (6).
Genome position (GRCh38, 1-based): chr1:155,612,510, G>T. VCF-style: chr1-155612510-G-T. GRCh37 (hg19) VCF-style: chr1-155582301-G-T.
Other names: c.906G>T, p.Leu302Phe (NM_001256532.1, NM_001256533.1, NM_001350772.1 and 3 more transcripts); c.741G>T, p.Leu247Phe (NM_001350776.1); c.375G>T, p.Leu125Phe (NM_001350777.1, NM_001350778.1, NM_001350779.1); c.372G>T, p.Leu124Phe (NM_001350780.1, NM_001350781.1, NM_001350782.1 and 3 more transcripts); c.363G>T, p.Leu121Phe (NM_001350784.1, NM_001350785.1, NM_001350787.1 and 1 more transcripts); short protein forms L121F, L125F, L247F, L302F, L124F.
Identifiers: ClinVar variation 2229434 (VCV002229434.2), dbSNP rs765337553, ClinGen allele CA342758989.

ClinVar aggregate classification (germline): Uncertain significance (1 of 4 stars; one submission).

Conditions:
Inborn genetic diseases. Identifiers: MedGen C0950123, MeSH D030342.

gnomAD v4.1: 2 of 1,613,882 alleles (0.00012%); highest among the groups gnomAD compares: Non-Finnish European, 0.00017%; no homozygotes.

Submission:

Ambry Genetics
Classification: Uncertain significance for Inborn genetic diseases. Last evaluated: 2021-03-08. Review status: criteria provided, single submitter. Criteria: Ambry Variant Classification Scheme 2023. Collection method: clinical testing. Allele origin: germline.
Comment: The c.906G>T (p.L302F) alteration is located in exon 9 (coding exon 9) of the MSTO1 gene. This alteration results from a G to T substitution at nucleotide position 906, causing the leucine (L) at amino acid position 302 to be replaced by a phenylalanine (F). The p.L302F alteration is predicted to be tolerated by in silico analysis. Based on insufficient or conflicting evidence, the clinical significance of this alteration remains unclear.